The following is an entry in ClinVar:

NM_001572.5(IRF7):c.1279C>T (p.Arg427Cys)

Gene: IRF7 (interferon regulatory factor 7; minus strand). Cytogenetic location: 11p15.5.
Variant type: single nucleotide variant.
Coding change: c.1279C>T on transcript NM_001572.5 (MANE Select); coding-DNA position 1279, C replaced by T.
Protein change: p.Arg427Cys; replaces arginine 427 with cysteine.
Molecular consequence: missense variant.
Genome position (GRCh38, 1-based): chr11:613,076, G>A on the plus strand (C>T on the coding strand, the complement: IRF7 is on the minus strand). VCF-style: chr11-613076-G-A. GRCh37 (hg19) VCF-style: chr11-613076-G-A.
Other names: c.1192C>T, p.Arg398Cys (NM_004029.4); c.1318C>T, p.Arg440Cys (NM_004031.4); short protein forms R440C, R427C, R398C.
Identifiers: ClinVar variation 2864736 (VCV002864736.3), dbSNP rs201165872, ClinGen allele CA5783510.

ClinVar aggregate classification (germline): Uncertain significance (1 of 4 stars; one submission).

Conditions:
Immunodeficiency 39 (IMD39). Identifiers: Orphanet 574918, MedGen C4225358, MONDO:0014597, OMIM 616345.

Allele frequency attached by ClinVar (database versions not stated): TOPMed 0.00001; ExAC 0.00003; gnomAD 0.00003; 1000 Genomes Project 0.00020; 1000 Genomes Project 30x 0.00031.
gnomAD v4.1: 55 of 1,613,082 alleles (0.0034%); highest among the groups gnomAD compares: South Asian, 0.019%; no homozygotes.

Submission:

Labcorp Genetics (formerly Invitae), Labcorp
Classification: Uncertain significance for Immunodeficiency 39. Last evaluated: 2024-06-03. Review status: criteria provided, single submitter. Criteria: Invitae Variant Classification Sherloc (09022015). Collection method: clinical testing. Allele origin: germline.
Comment: This sequence change replaces arginine, which is basic and polar, with cysteine, which is neutral and slightly polar, at codon 440 of the IRF7 protein (p.Arg440Cys). This variant is present in population databases (rs201165872, gnomAD 0.01%). This missense change has been observed in individual(s) with autoinflammatory syndrome (PMID: 33225392). Advanced modeling of protein sequence and biophysical properties (such as structural, functional, and spatial information, amino acid conservation, physicochemical variation, residue mobility, and thermodynamic stability) performed at Invitae indicates that this missense variant is not expected to disrupt IRF7 protein function with a negative predictive value of 80%. In summary, the available evidence is currently insufficient to determine the role of this variant in disease. Therefore, it has been classified as a Variant of Uncertain Significance.

Literature cited by the submitters: PubMed 33225392.